The following is an entry in ClinVar:

ClinVar aggregate classification (germline): Pathogenic. Review status: criteria provided, multiple submitters, no conflicts (2 of 4 stars). 2 submissions from 2 submitters: Pathogenic (2). Last evaluated 2025-08-21.

Conditions:
Hereditary cancer-predisposing syndrome. Also called: Hereditary Cancer Syndrome; Hereditary neoplastic syndrome; Neoplastic Syndromes, Hereditary; Tumor predisposition. Identifiers: Orphanet 140162, MedGen C0027672, MeSH D009386, MONDO:0015356.
BAP1-related tumor predisposition syndrome (TPDS1). Also called: COMMON Syndrome; TUMOR PREDISPOSITION SYNDROME 1; BAP1 tumor predisposition syndrome; Tumor susceptibility linked to germline BAP1 mutations. Identifiers: Orphanet 289539, MedGen C3280492, MONDO:0013692, OMIM 614327.

Submissions (2):

Ambry Genetics
Classification: Pathogenic for Hereditary cancer-predisposing syndrome. Last evaluated: 2025-08-21. Review status: criteria provided, single submitter. Criteria: Ambry Variant Classification Scheme 2023. Collection method: clinical testing. Allele origin: germline.
Comment: The p.W5* pathogenic mutation (also known as c.14G>A), located in coding exon 1 of the BAP1 gene, results from a G to A substitution at nucleotide position 14. This changes the amino acid from a tryptophan to a stop codon within coding exon 1. The predicted stop codon occurs within the first 150 nucleotides of the BAP1 gene. This alteration may escape nonsense-mediated mRNA decay and/or be rescued by re-initiation (Rivas et al. Science. 2015 May 8;348(6235):666-9; Lindeboom et al. Nat Genet. 2016 Oct;48(10):1112-8; Rhee et al. Sci Rep. 2017 May 10;7(1):1653). However, the impacted region is critical for protein function (Ambry internal data). Another alteration at the same codon, p.W5* (c.15G>A), has been has been reported in an individual with uveal melanoma and a family history of renal cell carcinoma, lung cancer, and cholangiocarcinoma (Walpole S et al. J Natl Cancer Inst, 2018 12;110:1328-1341). This variant is considered to be rare based on population cohorts in the Genome Aggregation Database (gnomAD). Based on the supporting evidence, this alteration is interpreted as a disease-causing mutation.

Labcorp Genetics (formerly Invitae), Labcorp
Classification: Pathogenic for BAP1-related tumor predisposition syndrome. Last evaluated: 2023-08-16. Review status: criteria provided, single submitter. Criteria: Invitae Variant Classification Sherloc (09022015). Collection method: clinical testing. Allele origin: germline.
Comment: For these reasons, this variant has been classified as Pathogenic. ClinVar contains an entry for this variant (Variation ID: 1773980). This variant has not been reported in the literature in individuals affected with BAP1-related conditions. This variant is not present in population databases (gnomAD no frequency). This sequence change creates a premature translational stop signal (p.Trp5*) in the BAP1 gene. It is expected to result in an absent or disrupted protein product. Loss-of-function variants in BAP1 are known to be pathogenic (PMID: 21874000, 23684012).

Literature cited by the submitters: PubMed 30517737 (cited by Ambry Genetics); PubMed 30883995 (cited by Ambry Genetics); PubMed 21874000 (cited by Labcorp Genetics (formerly Invitae), Labcorp); PubMed 23684012 (cited by Labcorp Genetics (formerly Invitae), Labcorp).

NM_004656.4(BAP1):c.14G>A (p.Trp5Ter)

Gene: BAP1 (BRCA1 associated deubiquitinase 1; minus strand). Cytogenetic location: 3p21.1.
Variant type: single nucleotide variant.
Coding change: c.14G>A on transcript NM_004656.4 (MANE Select); coding-DNA position 14, G replaced by A.
Protein change: p.Trp5Ter; replaces tryptophan 5 with a stop codon.
Molecular consequence: nonsense.
Genome position (GRCh38, 1-based): chr3:52,409,865, C>T on the plus strand (G>A on the coding strand, the complement: BAP1 is on the minus strand). VCF-style: chr3-52409865-C-T. GRCh37 (hg19) VCF-style: chr3-52443881-C-T.
Other names: c.14G>A, p.Trp5Ter (NM_001410772.1); short protein forms W5*.
Identifiers: ClinVar variation 1773980 (VCV001773980.6), dbSNP rs2471367816, ClinGen allele CA353115134.